The following is an entry in ClinVar:

ClinVar aggregate classification (germline): Uncertain significance. Review status: criteria provided, multiple submitters, no conflicts (2 of 4 stars). 3 submissions from 3 submitters: Uncertain significance (3). Last evaluated 2025-08-04.

Conditions:
Inborn genetic diseases. Identifiers: MedGen C0950123, MeSH D030342.
Spastic paraplegia. Identifiers: MedGen C0037772, HP:0001258.

Allele frequency attached by ClinVar (database versions not stated): ExAC 0.00003; gnomAD 0.00003.
gnomAD v4.1: 6 of 1,608,998 alleles (0.00037%); highest among the groups gnomAD compares: Non-Finnish European, 0.00051%; no homozygotes.

Submissions (3):

Ambry Genetics
Classification: Uncertain significance for Inborn genetic diseases. Last evaluated: 2025-08-04. Review status: criteria provided, single submitter. Criteria: Ambry Variant Classification Scheme 2023. Collection method: clinical testing. Allele origin: germline.

Labcorp Genetics (formerly Invitae), Labcorp
Classification: Uncertain significance for Spastic paraplegia. Last evaluated: 2021-08-30. Review status: criteria provided, single submitter. Criteria: Invitae Variant Classification Sherloc (09022015). Collection method: clinical testing. Allele origin: germline.
Comment: This sequence change replaces valine with isoleucine at codon 1329 of the ZFYVE26 protein (p.Val1329Ile). The valine residue is moderately conserved and there is a small physicochemical difference between valine and isoleucine. This variant is present in population databases (rs758842694, ExAC 0.005%). This variant has not been reported in the literature in individuals affected with ZFYVE26-related conditions. Algorithms developed to predict the effect of missense changes on protein structure and function output the following: SIFT: "Tolerated"; PolyPhen-2: "Benign"; Align-GVGD: "Class C0". The isoleucine amino acid residue is found in multiple mammalian species, which suggests that this missense change does not adversely affect protein function. In summary, the available evidence is currently insufficient to determine the role of this variant in disease. Therefore, it has been classified as a Variant of Uncertain Significance.

Mayo Clinic Laboratories, Mayo Clinic
Classification: Uncertain significance. Last evaluated: 2020-06-16. Review status: criteria provided, single submitter. Criteria: ACMG Guidelines, 2015. Collection method: clinical testing. Allele origin: germline. Observed: 1 variant allele.

NM_015346.4(ZFYVE26):c.3985G>A (p.Val1329Ile)

Gene: ZFYVE26 (zinc finger FYVE-type containing 26; minus strand). Cytogenetic location: 14q24.1.
Variant type: single nucleotide variant.
Coding change: c.3985G>A on transcript NM_015346.4 (MANE Select); coding-DNA position 3985, G replaced by A.
Protein change: p.Val1329Ile; replaces valine 1329 with isoleucine.
Molecular consequence: missense variant.
Genome position (GRCh38, 1-based): chr14:67,783,167, C>T on the plus strand (G>A on the coding strand, the complement: ZFYVE26 is on the minus strand). VCF-style: chr14-67783167-C-T. GRCh37 (hg19) VCF-style: chr14-68249884-C-T.
Other names: short protein forms V1329I.
Identifiers: ClinVar variation 1163954 (VCV001163954.7), dbSNP rs758842694, ClinGen allele CA7239865.